The following is an entry in ClinVar:

ClinVar aggregate classification (germline): Uncertain significance (1 of 4 stars; one submission).

Conditions:
Ataxia-telangiectasia syndrome (AT). Also called: Cerebello-oculocutaneous telangiectasia; ATAXIA-TELANGIECTASIA, COMPLEMENTATION GROUP A; ATAXIA-TELANGIECTASIA, FRESNO VARIANT; Ataxia-telangiectasia, complementation group D; AT, COMPLEMENTATION GROUP C; Immunodeficiency with ataxia telangiectasia. Identifiers: Orphanet 100, MedGen C0004135, MONDO:0008840, OMIM 208900.

Submission:

Labcorp Genetics (formerly Invitae), Labcorp
Classification: Uncertain significance for Ataxia-telangiectasia syndrome. Last evaluated: 2022-08-25. Review status: criteria provided, single submitter. Criteria: Invitae Variant Classification Sherloc (09022015). Collection method: clinical testing. Allele origin: germline.
Comment: This sequence change replaces lysine, which is basic and polar, with isoleucine, which is neutral and non-polar, at codon 1170 of the ATM protein (p.Lys1170Ile). This variant is not present in population databases (gnomAD no frequency). This variant has not been reported in the literature in individuals affected with ATM-related conditions. Advanced modeling of protein sequence and biophysical properties (such as structural, functional, and spatial information, amino acid conservation, physicochemical variation, residue mobility, and thermodynamic stability) performed at Invitae indicates that this missense variant is not expected to disrupt ATM protein function. In summary, the available evidence is currently insufficient to determine the role of this variant in disease. Therefore, it has been classified as a Variant of Uncertain Significance.

NM_000051.4(ATM):c.3509A>T (p.Lys1170Ile)

Gene: ATM (ATM serine/threonine kinase; plus strand). Cytogenetic location: 11q22.3.
Variant type: single nucleotide variant.
Coding change: c.3509A>T on transcript NM_000051.4 (MANE Select); coding-DNA position 3509, A replaced by T.
Protein change: p.Lys1170Ile; replaces lysine 1170 with isoleucine.
Molecular consequence: missense variant.
Genome position (GRCh38, 1-based): chr11:108,281,101, A>T. VCF-style: chr11-108281101-A-T. GRCh37 (hg19) VCF-style: chr11-108151828-A-T.
Other names: c.3509A>T, p.Lys1170Ile (NM_001351834.2); short protein forms K1170I.
Identifiers: ClinVar variation 1717996 (VCV001717996.5), dbSNP rs1591636761, ClinGen allele CA382519905.
Genomic context (GRCh38, chr11:108,281,101, plus strand): 5'-GAAAATCTGTTTTACTGACGTTGATAGCTGTGGTTTTATCCTGTAGCCCTATCTGCGAAA[A>T]ACAGGCTTTGTTTGCCCTGTGTAAATCTGTGAAAGAGAATGGATTAGAACCTCACCTTGT-3'
Protein context (NP_000042.3, residues 1160-1180): VVLSCSPICE[Lys1170Ile]QALFALCKSV